The following is an entry in ClinVar:

NM_015072.5(TTLL5):c.2637A>C (p.Leu879Phe)

Gene: TTLL5 (tubulin tyrosine ligase like 5; plus strand). Cytogenetic location: 14q24.3.
Variant type: single nucleotide variant.
Coding change: c.2637A>C on transcript NM_015072.5 (MANE Select); coding-DNA position 2637, A replaced by C.
Protein change: p.Leu879Phe; replaces leucine 879 with phenylalanine.
Molecular consequence: missense variant.
Genome position (GRCh38, 1-based): chr14:75,783,181, A>C. VCF-style: chr14-75783181-A-C. GRCh37 (hg19) VCF-style: chr14-76249524-A-C.
Other names: short protein forms L879F.
Identifiers: ClinVar variation 376879 (VCV000376879.30), dbSNP rs146036604, ClinGen allele CA7279788.

ClinVar aggregate classification (germline): Benign/Likely benign. Review status: criteria provided, multiple submitters, no conflicts (2 of 4 stars). 5 submissions from 5 submitters: Benign (2); Likely benign (3). Last evaluated 2026-01-18.

Allele frequency attached by ClinVar (database versions not stated): TOPMed 0.00421; gnomAD exomes 0.00472 and 0.00516; ExAC 0.00541; 1000 Genomes Project 30x 0.00562; 1000 Genomes Project 0.00639; gnomAD 0.00385 and 0.00396; ESP Exome Variant Server 0.00415.
gnomAD v4.1: 8,151 of 1,612,776 alleles (0.51%); highest among the groups gnomAD compares: East Asian, 1.5%; 25 homozygotes.

Submissions (5):

Labcorp Genetics (formerly Invitae), Labcorp
Classification: Benign. Last evaluated: 2026-01-18. Review status: criteria provided, single submitter. Criteria: Invitae Variant Classification Sherloc (09022015). Collection method: clinical testing. Allele origin: germline.

CeGaT Center for Human Genetics Tuebingen
Classification: Benign. Last evaluated: 2024-12-01. Review status: criteria provided, single submitter. Criteria: CeGaT Center For Human Genetics Tuebingen Variant Classification Criteria Version 2. Collection method: clinical testing. Allele origin: germline. Affected: yes. Observed: 1 variant allele.
Comment: TTLL5: BP4, BS1, BS2

GeneDx
Classification: Likely benign. Last evaluated: 2018-12-09. Review status: criteria provided, single submitter. Criteria: GeneDx Variant Classification Process June 2021. Collection method: clinical testing. Allele origin: germline. Affected: yes.

Center for Pediatric Genomic Medicine, Children's Mercy Hospital and Clinics
Classification: Likely benign. Last evaluated: 2017-02-03. Review status: criteria provided, single submitter. Criteria: ACMG Guidelines, 2015. Collection method: clinical testing. Allele origin: germline.
ClinVar note: Converted during submission from Likely Benign to Likely benign.

Breakthrough Genomics
Classification: Likely benign. Review status: criteria provided, single submitter. Criteria: ACMG Guidelines, 2015. Collection method: not provided. Allele origin: germline. Inheritance: Autosomal recessive inheritance. Affected: yes.